The following is an entry in ClinVar:

ClinVar aggregate classification (germline): Likely pathogenic (1 of 4 stars; one submission).

Submission:

GeneDx
Classification: Likely pathogenic. Last evaluated: 2017-10-06. Review status: criteria provided, single submitter. Criteria: GeneDx Variant Classification (06012015). Collection method: clinical testing. Allele origin: germline. Affected: yes.
Comment: The c.141-2A>T variant in the NOTCH1 gene has not been reported previously as a pathogenic variant nor as a benign variant, to our knowledge. This splice site variant destroys the canonical splice acceptor site in intron 2. It is predicted to cause abnormal gene splicing, either leading to an abnormal message that is subject to nonsense-mediated mRNA decay, or to an abnormal protein product if the message is used for protein translation. The c.141-2A>T variant is not observed in large population cohorts (Lek et al., 2016). We interpret c.141-2A>T as a likely pathogenic variant.

NM_017617.5(NOTCH1):c.141-2A>T

Gene: NOTCH1 (notch receptor 1; minus strand). Cytogenetic location: 9q34.3.
Variant type: single nucleotide variant.
Coding change: c.141-2A>T on transcript NM_017617.5 (MANE Select); the canonical splice acceptor site of the intron before coding-DNA position 141, A replaced by T.
Molecular consequence: splice acceptor variant.
Genome position (GRCh38, 1-based): chr9:136,523,981, T>A on the plus strand (A>T on the coding strand, the complement: NOTCH1 is on the minus strand). VCF-style: chr9-136523981-T-A. GRCh37 (hg19) VCF-style: chr9-139418433-T-A.
Identifiers: ClinVar variation 452655 (VCV000452655.2), dbSNP rs1554730758, ClinGen allele CA375573236.